The following is an entry in ClinVar:

NM_003000.3(SDHB):c.28A>G (p.Arg10Gly)

Gene: SDHB (succinate dehydrogenase complex iron sulfur subunit B; minus strand). Cytogenetic location: 1p36.13.
Variant type: single nucleotide variant.
Coding change: c.28A>G on transcript NM_003000.3 (MANE Select); coding-DNA position 28, A replaced by G.
Protein change: p.Arg10Gly; replaces arginine 10 with glycine.
Molecular consequence: missense variant.
Genome position (GRCh38, 1-based): chr1:17,053,992, T>C on the plus strand (A>G on the coding strand, the complement: SDHB is on the minus strand). VCF-style: chr1-17053992-T-C. GRCh37 (hg19) VCF-style: chr1-17380487-T-C.
Other names: c.28A>G, p.Arg10Gly (NM_001407361.1); short protein forms R10G.
Identifiers: ClinVar variation 2139774 (VCV002139774.5), dbSNP rs2101551815, ClinGen allele CA338230837.
Genomic context (GRCh38, chr1:17,053,992, plus strand): 5'-AGGCTCCAGGACTCACCTGCAGGCAGGCTCCGCCAAGGGTTGTGGCCGGCAACCGGCGCC[T>C]CAAGGAGAGGGCGACCACCGCCGCCATCTTGGCTCCTGACGTCAGCCCCACCCCTTAACC-3'
Protein context (NP_002991.2, residues 1-20): MAAVVALSL[Arg10Gly]RRLPATTLGG

ClinVar aggregate classification (germline): Uncertain significance. Review status: criteria provided, multiple submitters, no conflicts (2 of 4 stars). 2 submissions from 2 submitters: Uncertain significance (2). Last evaluated 2025-09-11.

Conditions:
Pheochromocytoma. Also called: MAX-Related Hereditary Paraganglioma-Pheochromocytoma Syndrome. Identifiers: Orphanet 29072, MedGen C0031511, MONDO:0008233, OMIM 171300, HP:0002666.
Pheochromocytoma/paraganglioma syndrome 4. Also called: CAROTID BODY TUMORS AND MULTIPLE EXTRAADRENAL PHEOCHROMOCYTOMAS; SDHB-Related Hereditary Paraganglioma-Pheochromocytoma Syndrome (Paragangliomas 4); SDHB-Related Hereditary Paraganglioma-Pheochromocytoma Syndrome; PARAGANGLIOMA, FAMILIAL MALIGNANT; PARAGANGLIOMAS, HEREDITARY EXTRAADRENAL; PHEOCHROMOCYTOMA, FAMILIAL EXTRAADRENAL. Identifiers: Orphanet 29072, MedGen C1861848, MONDO:0007273, OMIM 115310.
Gastrointestinal stromal tumor. Also called: Gastrointestinal stroma tumor; Gastrointestinal stromal tumor, somatic. Identifiers: Orphanet 44890, MedGen C0238198, MeSH D046152, MONDO:0011719, OMIM 606764, HP:0100723.
Hereditary cancer-predisposing syndrome. Also called: Hereditary Cancer Syndrome; Hereditary neoplastic syndrome; Neoplastic Syndromes, Hereditary; Tumor predisposition. Identifiers: Orphanet 140162, MedGen C0027672, MeSH D009386, MONDO:0015356.

gnomAD v4.1: 2 of 1,612,802 alleles (0.00012%); highest among the groups gnomAD compares: Non-Finnish European, 0.00017%; no homozygotes.

Submissions (2):

Ambry Genetics
Classification: Uncertain significance for Hereditary cancer-predisposing syndrome. Last evaluated: 2025-09-11. Review status: criteria provided, single submitter. Criteria: Ambry Variant Classification Scheme 2023. Collection method: clinical testing. Allele origin: germline.
Comment: The p.R10G variant (also known as c.28A>G), located in coding exon 1 of the SDHB gene, results from an A to G substitution at nucleotide position 28. The arginine at codon 10 is replaced by glycine, an amino acid with dissimilar properties. This amino acid position is conserved. In addition, the in silico prediction for this alteration is inconclusive. Based on the available evidence, the clinical significance of this variant remains unclear.

Labcorp Genetics (formerly Invitae), Labcorp
Classification: Uncertain significance for Gastrointestinal stromal tumor; Pheochromocytoma/paraganglioma syndrome 4; Pheochromocytoma. Last evaluated: 2022-07-29. Review status: criteria provided, single submitter. Criteria: Invitae Variant Classification Sherloc (09022015). Collection method: clinical testing. Allele origin: germline.
Comment: In summary, the available evidence is currently insufficient to determine the role of this variant in disease. Therefore, it has been classified as a Variant of Uncertain Significance. Advanced modeling of protein sequence and biophysical properties (such as structural, functional, and spatial information, amino acid conservation, physicochemical variation, residue mobility, and thermodynamic stability) performed at Invitae indicates that this missense variant is not expected to disrupt SDHB protein function. This variant has not been reported in the literature in individuals affected with SDHB-related conditions. This variant is not present in population databases (gnomAD no frequency). This sequence change replaces arginine, which is basic and polar, with glycine, which is neutral and non-polar, at codon 10 of the SDHB protein (p.Arg10Gly).